The following is an entry in ClinVar:

ClinVar aggregate classification (germline): Likely benign. Review status: criteria provided, multiple submitters, no conflicts (2 of 4 stars). 3 submissions from 3 submitters: Likely benign (3). Last evaluated 2026-08-01.

Conditions:
Hereditary cancer-predisposing syndrome. Also called: Hereditary neoplastic syndrome; Hereditary Cancer Syndrome; Neoplastic Syndromes, Hereditary; Tumor predisposition. Identifiers: Orphanet 140162, MedGen C0027672, MeSH D009386, MONDO:0015356.
Rhabdoid tumor predisposition syndrome 2 (RTPS2). Identifiers: Orphanet 231108, Orphanet 69077, MedGen C2750074, MONDO:0013224, OMIM 613325.

Allele frequency attached by ClinVar (database versions not stated): gnomAD exomes below 0.00001; ExAC 0.00001; gnomAD 0.00001; 1000 Genomes Project 30x 0.00016; 1000 Genomes Project 0.00020.
gnomAD v4.1: 2 of 1,614,182 alleles (0.00012%); highest among the groups gnomAD compares: Admixed American, 0.0017%; no homozygotes.

Submissions (3):

CeGaT Center for Human Genetics Tuebingen
Classification: Likely benign. Last evaluated: 2026-08-01. Review status: criteria provided, single submitter. Criteria: CeGaT Center For Human Genetics Tuebingen Variant Classification Criteria Version 2. Collection method: clinical testing. Allele origin: germline. Affected: yes. Observed: 1 variant allele.
Comment: SMARCA4: BP4, BP7

Labcorp Genetics (formerly Invitae), Labcorp
Classification: Likely benign for Rhabdoid tumor predisposition syndrome 2. Last evaluated: 2025-12-08. Review status: criteria provided, single submitter. Criteria: Invitae Variant Classification Sherloc (09022015). Collection method: clinical testing. Allele origin: germline.

Ambry Genetics
Classification: Likely benign for Hereditary cancer-predisposing syndrome. Last evaluated: 2020-03-23. Review status: criteria provided, single submitter. Criteria: Ambry Variant Classification Scheme 2023. Collection method: clinical testing. Allele origin: germline.

NM_003072.5(SMARCA4):c.2376C>T (p.Leu792=)

Gene: SMARCA4 (SWI/SNF related BAF chromatin remodeling complex subunit ATPase 4; plus strand). Cytogenetic location: 19p13.2.
Variant type: single nucleotide variant.
Coding change: c.2376C>T on transcript NM_003072.5 (MANE Select); coding-DNA position 2376, C replaced by T.
Protein change: p.Leu792=; no amino-acid change (leucine 792 retained).
Molecular consequence: synonymous variant. On other transcripts: non-coding transcript variant (1).
Genome position (GRCh38, 1-based): chr19:11,013,050, C>T. VCF-style: chr19-11013050-C-T. GRCh37 (hg19) VCF-style: chr19-11123726-C-T.
Other names: c.2376C>T, p.Leu792= (NM_001128844.3, NM_001128845.2, NM_001128846.2 and 4 more transcripts).
Identifiers: ClinVar variation 751183 (VCV000751183.14), dbSNP rs568699320, ClinGen allele CA9204091.